The following is an entry in ClinVar:

ClinVar aggregate classification (germline): Uncertain significance (1 of 4 stars; one submission).

Conditions:
Kleefstra syndrome 1 (KLEFS1). Identifiers: Orphanet 261494, MedGen C0795833, MONDO:0027407, OMIM 610253.

Submission:

Labcorp Genetics (formerly Invitae), Labcorp
Classification: Uncertain significance for Kleefstra syndrome 1. Last evaluated: 2023-03-02. Review status: criteria provided, single submitter. Criteria: Invitae Variant Classification Sherloc (09022015). Collection method: clinical testing. Allele origin: germline.
Comment: In summary, the available evidence is currently insufficient to determine the role of this variant in disease. Therefore, it has been classified as a Variant of Uncertain Significance. An algorithm developed to predict the effect of missense changes on protein structure and function (PolyPhen-2) suggests that this variant is likely to be disruptive. This variant has not been reported in the literature in individuals affected with EHMT1-related conditions. This variant is not present in population databases (gnomAD no frequency). This sequence change replaces aspartic acid, which is acidic and polar, with histidine, which is basic and polar, at codon 35 of the EHMT1 protein (p.Asp35His).

NM_024757.5(EHMT1):c.103G>C (p.Asp35His)

Gene: EHMT1 (euchromatic histone lysine methyltransferase 1; plus strand). Cytogenetic location: 9q34.3.
Variant type: single nucleotide variant.
Coding change: c.103G>C on transcript NM_024757.5 (MANE Select); coding-DNA position 103, G replaced by C.
Protein change: p.Asp35His; replaces aspartic acid 35 with histidine.
Molecular consequence: missense variant.
Genome position (GRCh38, 1-based): chr9:137,716,643, G>C. VCF-style: chr9-137716643-G-C. GRCh37 (hg19) VCF-style: chr9-140611095-G-C.
Other names: c.103G>C, p.Asp35His (NM_001145527.2, NM_001354263.2, NM_001354611.2); c.10G>C, p.Asp4His (NM_001354259.2, NM_001354612.2); short protein forms D4H, D35H.
Identifiers: ClinVar variation 2842336 (VCV002842336.3), dbSNP rs371134699, ClinGen allele CA375762144.